The following is an entry in ClinVar:

NM_006502.3(POLH):c.2124T>A (p.Phe708Leu)

Gene: POLH (DNA polymerase eta; plus strand). Cytogenetic location: 6p21.1.
Variant type: single nucleotide variant.
Coding change: c.2124T>A on transcript NM_006502.3 (MANE Select); coding-DNA position 2124, T replaced by A.
Protein change: p.Phe708Leu; replaces phenylalanine 708 with leucine.
Molecular consequence: missense variant. On other transcripts: 3 prime UTR variant (1).
Genome position (GRCh38, 1-based): chr6:43,614,539, T>A. VCF-style: chr6-43614539-T-A. GRCh37 (hg19) VCF-style: chr6-43582276-T-A.
Other names: c.1752T>A, p.Phe584Leu (NM_001291969.2); c.*808T>A (NM_001291970.2); short protein forms F584L, F708L.
Identifiers: ClinVar variation 4881203 (VCV004881203.2).

ClinVar aggregate classification (germline): Uncertain significance (1 of 4 stars; one submission).

Submission:

Dasa
Classification: Uncertain significance. Last evaluated: 2025-08-10. Review status: criteria provided, single submitter. Criteria: DASA Assertion Criteria. Collection method: clinical testing. Allele origin: germline.
Comment: NM_006502.3(POLH):c.2124T>A (p.Phe708Leu) is a missense variant that results in the substitution of phenylalanine with leucine. This variant is absent from population databases. The currently available literature and clinical evidence are not sufficient to establish a definitive association between this variant and the reported condition. Therefore, this variant is classified as a variant of uncertain significance.